The following is an entry in ClinVar:

ClinVar aggregate classification (germline): Uncertain significance (1 of 4 stars; one submission).

Conditions:
Dyskeratosis congenita, autosomal dominant 1 (DKCA1). Also called: Dyskeratosis congenita Scoggins type. Identifiers: Orphanet 1775, MedGen C4551974, MONDO:0007485, OMIM 127550. Inheritance: Variable.

Allele frequency attached by ClinVar (database versions not stated): gnomAD exomes below 0.00001.
gnomAD v4.1: 2 of 723,038 alleles (0.00028%); highest among the groups gnomAD compares: South Asian, 0.0014%; no homozygotes.

Submission:

Labcorp Genetics (formerly Invitae), Labcorp
Classification: Uncertain significance for Dyskeratosis congenita, autosomal dominant 1. Last evaluated: 2023-10-04. Review status: criteria provided, single submitter. Criteria: Invitae Variant Classification Sherloc (09022015). Collection method: clinical testing. Allele origin: germline.
Comment: This variant occurs in the TERC gene, which encodes an RNA molecule that does not result in a protein product. This variant is not present in population databases (gnomAD no frequency). This variant has not been reported in the literature in individuals affected with TERC-related conditions. ClinVar contains an entry for this variant (Variation ID: 1462218). This variant is located within the BoxH/ACA scaRNA domain of the TERC RNA component, which is required for telomerase activity (PMID: 21844345). In summary, the available evidence is currently insufficient to determine the role of this variant in disease. Therefore, it has been classified as a Variant of Uncertain Significance.

Literature cited by the submitters: PubMed 21844345.

NC_000003.12:g.169764637C>A

Gene: TERC (telomerase RNA component; minus strand). Cytogenetic location: 3q26.2.
Variant type: single nucleotide variant.
Genome position: GRCh38 VCF-style: chr3-169764637-C-A. GRCh37 (hg19) VCF-style: chr3-169482425-C-A.
Identifiers: ClinVar variation 1462218 (VCV001462218.6), dbSNP rs1337708802, ClinGen allele CA436714771.